The following is an entry in ClinVar:

ClinVar aggregate classification (germline): Uncertain significance. Review status: criteria provided, multiple submitters, no conflicts (2 of 4 stars). 2 submissions from 2 submitters: Uncertain significance (2). Last evaluated 2025-09-12.

Conditions:
Primary immunodeficiency with post-measles-mumps-rubella vaccine viral infection. Also called: Immunodeficiency 44. Identifiers: Orphanet 431166, MedGen C4225260, MONDO:0014715, OMIM 616636.

Allele frequency attached by ClinVar (database versions not stated): TOPMed 0.00002; gnomAD 0.00006 and 0.00001; 1000 Genomes Project 30x 0.00016; 1000 Genomes Project 0.00020; ExAC 0.00002; gnomAD exomes 0.00002.
gnomAD v4.1: 66 of 1,614,122 alleles (0.0041%); highest among the groups gnomAD compares: African/African-American, 0.051%; 2 homozygotes.

Submissions (2):

Women's Health and Genetics/Laboratory Corporation of America, LabCorp
Classification: Uncertain significance. Last evaluated: 2025-09-12. Review status: criteria provided, single submitter. Criteria: LabCorp Variant Classification Summary - May 2015. Collection method: clinical testing. Allele origin: germline.
Comment: Variant summary: STAT2 c.2474G>A (p.Gly825Asp) results in a non-conservative amino acid change in the encoded protein sequence. Algorithms developed to predict the effect of missense changes on protein structure and function are either unavailable or do not agree on the potential impact of this missense change. The variant allele was found at a frequency of 2.4e-05 in 251432 control chromosomes in the gnomAD database, including 1 homozygotes. The available data on variant occurrences in the general population are insufficient to allow any conclusion about variant significance. To our knowledge, no occurrence of c.2474G>A in individuals affected with STAT2-related conditions and no experimental evidence demonstrating its impact on protein function have been reported. ClinVar contains an entry for this variant (Variation ID: 936063). Based on the evidence outlined above, the variant was classified as uncertain significance.

Labcorp Genetics (formerly Invitae), Labcorp
Classification: Uncertain significance for Primary immunodeficiency with post-measles-mumps-rubella vaccine viral infection. Last evaluated: 2024-12-16. Review status: criteria provided, single submitter. Criteria: Invitae Variant Classification Sherloc (09022015). Collection method: clinical testing. Allele origin: germline.
Comment: This sequence change replaces glycine, which is neutral and non-polar, with aspartic acid, which is acidic and polar, at codon 825 of the STAT2 protein (p.Gly825Asp). This variant is present in population databases (rs113083644, gnomAD 0.02%). This variant has not been reported in the literature in individuals affected with STAT2-related conditions. ClinVar contains an entry for this variant (Variation ID: 936063). Invitae Evidence Modeling of protein sequence and biophysical properties (such as structural, functional, and spatial information, amino acid conservation, physicochemical variation, residue mobility, and thermodynamic stability) indicates that this missense variant is not expected to disrupt STAT2 protein function with a negative predictive value of 95%. In summary, the available evidence is currently insufficient to determine the role of this variant in disease. Therefore, it has been classified as a Variant of Uncertain Significance.

NM_005419.4(STAT2):c.2474G>A (p.Gly825Asp)

Gene: STAT2 (signal transducer and activator of transcription 2; minus strand). Cytogenetic location: 12q13.3.
Variant type: single nucleotide variant.
Coding change: c.2474G>A on transcript NM_005419.4 (MANE Select); coding-DNA position 2474, G replaced by A.
Protein change: p.Gly825Asp; replaces glycine 825 with aspartic acid.
Molecular consequence: missense variant.
Genome position (GRCh38, 1-based): chr12:56,343,471, C>T on the plus strand (G>A on the coding strand, the complement: STAT2 is on the minus strand). VCF-style: chr12-56343471-C-T. GRCh37 (hg19) VCF-style: chr12-56737255-C-T.
Other names: c.2462G>A, p.Gly821Asp (NM_198332.2); short protein forms G821D, G825D.
Identifiers: ClinVar variation 936063 (VCV000936063.7), dbSNP rs113083644, ClinGen allele CA6630242.